The following is an entry in ClinVar:

ClinVar aggregate classification (germline): Uncertain significance (1 of 4 stars; one submission).

Submission:

Labcorp Genetics (formerly Invitae), Labcorp
Classification: Uncertain significance. Last evaluated: 2022-10-03. Review status: criteria provided, single submitter. Criteria: Invitae Variant Classification Sherloc (09022015). Collection method: clinical testing. Allele origin: germline.
Comment: Advanced modeling of protein sequence and biophysical properties (such as structural, functional, and spatial information, amino acid conservation, physicochemical variation, residue mobility, and thermodynamic stability) performed at Invitae indicates that this missense variant is not expected to disrupt FN1 protein function. ClinVar contains an entry for this variant (Variation ID: 1465749). This variant has not been reported in the literature in individuals affected with FN1-related conditions. This variant is not present in population databases (gnomAD no frequency). This sequence change replaces glutamine, which is neutral and polar, with histidine, which is basic and polar, at codon 450 of the FN1 protein (p.Gln450His). In summary, the available evidence is currently insufficient to determine the role of this variant in disease. Therefore, it has been classified as a Variant of Uncertain Significance.

NM_212482.4(FN1):c.1350G>C (p.Gln450His)

Genes: FN1 (fibronectin 1; minus strand), LOC126806498 (CDK7 strongly-dependent group 2 enhancer GRCh37_chr2:216288045-216289244; plus strand). Cytogenetic location: 2q35.
Variant type: single nucleotide variant.
Coding change: c.1350G>C on transcript NM_212482.4 (MANE Select); coding-DNA position 1350, G replaced by C.
Protein change: p.Gln450His; replaces glutamine 450 with histidine.
Molecular consequence: missense variant.
Genome position (GRCh38, 1-based): chr2:215,423,393, C>G on the plus strand (G>C on the coding strand, the complement: FN1 is on the minus strand). VCF-style: chr2-215423393-C-G. GRCh37 (hg19) VCF-style: chr2-216288116-C-G.
Other names: c.1350G>C, p.Gln450His (NM_001306129.2, NM_001306130.2, NM_001306131.2 and 14 more transcripts); short protein forms Q450H.
Identifiers: ClinVar variation 1465749 (VCV001465749.6), dbSNP rs2064789614, ClinGen allele CA350470158.